The following is an entry in ClinVar:

NM_006516.4(SLC2A1):c.814A>C (p.Ile272Leu)

Gene: SLC2A1 (solute carrier family 2 member 1; minus strand). Cytogenetic location: 1p34.2.
Variant type: single nucleotide variant.
Coding change: c.814A>C on transcript NM_006516.4 (MANE Select); coding-DNA position 814, A replaced by C.
Protein change: p.Ile272Leu; replaces isoleucine 272 with leucine.
Molecular consequence: missense variant.
Genome position (GRCh38, 1-based): chr1:42,929,646, T>G on the plus strand (A>C on the coding strand, the complement: SLC2A1 is on the minus strand). VCF-style: chr1-42929646-T-G. GRCh37 (hg19) VCF-style: chr1-43395317-T-G.
Other names: short protein forms I272L.
Identifiers: ClinVar variation 958781 (VCV000958781.10), dbSNP rs1643465735, ClinGen allele CA339957475.

ClinVar aggregate classification (germline): Uncertain significance (1 of 4 stars; one submission).

Conditions:
GLUT1 deficiency syndrome 1, autosomal recessive. Identifiers: MedGen C3149117.

Submission:

Labcorp Genetics (formerly Invitae), Labcorp
Classification: Uncertain significance for GLUT1 deficiency syndrome 1, autosomal recessive. Last evaluated: 2022-01-06. Review status: criteria provided, single submitter. Criteria: Invitae Variant Classification Sherloc (09022015). Collection method: clinical testing. Allele origin: germline.
Comment: This variant is not present in population databases (gnomAD no frequency). This sequence change replaces isoleucine, which is neutral and non-polar, with leucine, which is neutral and non-polar, at codon 272 of the SLC2A1 protein (p.Ile272Leu). This variant has not been reported in the literature in individuals affected with SLC2A1-related conditions. ClinVar contains an entry for this variant (Variation ID: 958781). Advanced modeling of protein sequence and biophysical properties (such as structural, functional, and spatial information, amino acid conservation, physicochemical variation, residue mobility, and thermodynamic stability) performed at Invitae indicates that this missense variant is not expected to disrupt SLC2A1 protein function. In summary, the available evidence is currently insufficient to determine the role of this variant in disease. Therefore, it has been classified as a Variant of Uncertain Significance.